The following is an entry in ClinVar:

NM_152598.4(MARCHF10):c.1464C>T (p.Asp488=)

Genes: MARCHF10 (membrane associated ring-CH-type finger 10; minus strand), MARCHF10-AS1 (MARCHF10 antisense RNA 1; plus strand). Cytogenetic location: 17q23.2.
Variant type: single nucleotide variant.
Coding change: c.1464C>T on transcript NM_152598.4 (MANE Select); coding-DNA position 1464, C replaced by T.
Protein change: p.Asp488=; no amino-acid change (aspartic acid 488 retained).
Molecular consequence: synonymous variant. On other transcripts: non-coding transcript variant (1).
Genome position (GRCh38, 1-based): chr17:62,736,404, G>A on the plus strand (C>T on the coding strand, the complement: MARCHF10 is on the minus strand). VCF-style: chr17-62736404-G-A. GRCh37 (hg19) VCF-style: chr17-60813765-G-A.
Other names: c.1464C>T, p.Asp488= (NM_001100875.3); c.1578C>T, p.Asp526= (NM_001288779.2); c.1461C>T, p.Asp487= (NM_001288780.2).
Identifiers: ClinVar variation 3034249 (VCV003034249.2), dbSNP rs115042182, ClinGen allele CA8696793.
Genomic context (GRCh38, chr17:62,736,404, plus strand): 5'-ATGAAACCCTGAGTTTCCCTCTGAGTCTGAGCTGTGAACTGAAGTCGATGACATTGACAA[G>A]TCTACTGGAATATCATCTCTCAGAGCAGAATGCATGAATGATGCAGGAGGGTTATAGGAT-3'
Protein context (NP_689811.2, residues 478-498): HSALRDDIPV[Asp488=]LSMSSTSVHS

ClinVar aggregate classification (germline): Benign (0 of 4 stars; one submission).

Conditions:
MARCHF10-related disorder. Also called: MARCHF10-related condition.

Allele frequency attached by ClinVar (database versions not stated): gnomAD exomes 0.00062; ExAC 0.00154; ESP Exome Variant Server 0.00369; gnomAD 0.00400; TOPMed 0.00483; 1000 Genomes Project 30x 0.00609; 1000 Genomes Project 0.00679.
gnomAD v4.1: 1,584 of 1,614,128 alleles (0.098%); highest among the groups gnomAD compares: African/African-American, 1.4%; 8 homozygotes.

Submission:

PreventionGenetics, part of Exact Sciences
Classification: Benign for MARCHF10-related condition. Last evaluated: 2019-02-22. Review status: no assertion criteria provided. Collection method: clinical testing. Allele origin: germline.
Comment: This variant is classified as benign based on ACMG/AMP sequence variant interpretation guidelines (Richards et al. 2015 PMID: 25741868, with internal and published modifications).